The following is an entry in ClinVar:

NM_006907.4(PYCR1):c.905C>T (p.Pro302Leu)

Gene: PYCR1 (pyrroline-5-carboxylate reductase 1; minus strand). Cytogenetic location: 17q25.3.
Variant type: single nucleotide variant.
Coding change: c.905C>T on transcript NM_006907.4 (MANE Select); coding-DNA position 905, C replaced by T.
Protein change: p.Pro302Leu; replaces proline 302 with leucine.
Molecular consequence: missense variant. On other transcripts: 3 prime UTR variant (1), intron variant (1).
Genome position (GRCh38, 1-based): chr17:81,933,269, G>A on the plus strand (C>T on the coding strand, the complement: PYCR1 is on the minus strand). VCF-style: chr17-81933269-G-A. GRCh37 (hg19) VCF-style: chr17-79891145-G-A.
Other names: c.812C>T, p.Pro271Leu (NM_001282279.2); c.905C>T, p.Pro302Leu (NM_001282280.2); c.986C>T, p.Pro329Leu (NM_001282281.2); c.*87C>T (NM_001330523.2); c.867+38C>T (NM_153824.3); short protein forms P271L, P302L, P329L.
Identifiers: ClinVar variation 2056534 (VCV002056534.4), dbSNP rs1278566408, ClinGen allele CA401536488.

ClinVar aggregate classification (germline): Uncertain significance (1 of 4 stars; one submission).

Allele frequency attached by ClinVar (database versions not stated): gnomAD exomes below 0.00001; TOPMed below 0.00001; gnomAD 0.00001.
gnomAD v4.1: 3 of 1,613,978 alleles (0.00019%); highest among the groups gnomAD compares: Non-Finnish European, 0.00025%; no homozygotes.

Submission:

Labcorp Genetics (formerly Invitae), Labcorp
Classification: Uncertain significance. Last evaluated: 2021-12-24. Review status: criteria provided, single submitter. Criteria: Invitae Variant Classification Sherloc (09022015). Collection method: clinical testing. Allele origin: germline.
Comment: In summary, the available evidence is currently insufficient to determine the role of this variant in disease. Therefore, it has been classified as a Variant of Uncertain Significance. This sequence change replaces proline, which is neutral and non-polar, with leucine, which is neutral and non-polar, at codon 302 of the PYCR1 protein (p.Pro302Leu). This variant is not present in population databases (gnomAD no frequency). This variant has not been reported in the literature in individuals affected with PYCR1-related conditions. Algorithms developed to predict the effect of missense changes on protein structure and function (SIFT, PolyPhen-2, Align-GVGD) all suggest that this variant is likely to be tolerated.